The following is an entry in ClinVar:

ClinVar aggregate classification (germline): Conflicting classifications of pathogenicity. Review status: criteria provided, conflicting classifications (1 of 4 stars). 15 submissions from 11 submitters: Uncertain significance (1); Benign (11); Likely benign (2). 1 of the submissions does not count toward it. Last evaluated 2026-02-02.

Conditions:
Atelosteogenesis type II (AO2). Also called: NEONATAL OSSEOUS DYSPLASIA I; SLC26A2-Related Atelosteogenesis; Neonatal osseous dysplasia 1. Identifiers: Orphanet 56304, MedGen C1850554, MONDO:0009727, OMIM 256050.
Achondrogenesis, type IB (ACG1B). Also called: Achondrogenesis Type 1B. Identifiers: Orphanet 932, Orphanet 93298, MedGen C0265274, MONDO:0010966, OMIM 600972.
Diastrophic dysplasia (DTD). Also called: Diastrophic dwarfism. Identifiers: Orphanet 628, MedGen C0220726, MONDO:0009107, OMIM 222600.
Multiple epiphyseal dysplasia type 4 (EDM4). Also called: SLC26A2-Related Multiple Epiphyseal Dysplasia; MULTIPLE EPIPHYSEAL DYSPLASIA WITH BILAYERED PATELLAE; MULTIPLE EPIPHYSEAL DYSPLASIA WITH CLUBFOOT; MULTIPLE EPIPHYSEAL DYSPLASIA, AUTOSOMAL RECESSIVE; Multiple Epiphyseal Dysplasia, Recessive. Identifiers: Orphanet 93307, MedGen C1847593, MONDO:0009189, OMIM 226900.
Sulfate transporter-related osteochondrodysplasia. Also called: DTDST-related dysplasias. Identifiers: MedGen CN120497. Disease mechanism: loss of function.

Allele frequency attached by ClinVar (database versions not stated): ESP Exome Variant Server 0.00008; gnomAD 0.00025 and 0.00145; TOPMed 0.00040; gnomAD exomes 0.00229 and 0.00459; ExAC 0.00514; 1000 Genomes Project 30x 0.00906; 1000 Genomes Project 0.01018.
gnomAD v4.1: 3,592 of 1,614,196 alleles (0.22%); highest among the groups gnomAD compares: South Asian, 3.4%; 72 homozygotes.

Submissions (15):

Labcorp Genetics (formerly Invitae), Labcorp
Classification: Benign for Atelosteogenesis type II; Multiple epiphyseal dysplasia type 4; Achondrogenesis, type IB; Diastrophic dysplasia. Last evaluated: 2026-02-02. Review status: criteria provided, single submitter. Criteria: Invitae Variant Classification Sherloc (09022015). Collection method: clinical testing. Allele origin: germline.

CeGaT Center for Human Genetics Tuebingen
Classification: Benign. Last evaluated: 2026-01-01. Review status: criteria provided, single submitter. Criteria: CeGaT Center For Human Genetics Tuebingen Variant Classification Criteria Version 2. Collection method: clinical testing. Allele origin: germline. Affected: yes. Observed: 6 variant alleles.
Comment: SLC26A2: BS1, BS2

ARUP Laboratories, Molecular Genetics and Genomics, ARUP Laboratories
Classification: Benign. Last evaluated: 2023-11-03. Review status: criteria provided, single submitter. Criteria: ARUP Molecular Germline Variant Investigation Process 2024. Collection method: clinical testing. Allele origin: germline.

Women's Health and Genetics/Laboratory Corporation of America, LabCorp
Classification: Likely benign. Last evaluated: 2021-12-10. Review status: criteria provided, single submitter. Criteria: LabCorp Variant Classification Summary - May 2015. Collection method: clinical testing. Allele origin: germline.

Genome-Nilou Lab
Classification: Benign for Achondrogenesis, type IB. Last evaluated: 2021-05-18. Review status: criteria provided, single submitter. Criteria: ACMG Guidelines, 2015. Collection method: clinical testing. Allele origin: germline. Affected: no.

Mendelics
Classification: Likely benign for Multiple epiphyseal dysplasia type 4. Last evaluated: 2019-05-28. Review status: criteria provided, single submitter. Criteria: Mendelics Assertion Criteria 2017. Collection method: clinical testing. Allele origin: unknown.

GeneDx
Classification: Benign. Last evaluated: 2017-09-02. Review status: criteria provided, single submitter. Criteria: GeneDx Variant Classification (06012015). Collection method: clinical testing. Allele origin: germline. Affected: yes.
Comment: This variant is considered likely benign or benign based on one or more of the following criteria: it is a conservative change, it occurs at a poorly conserved position in the protein, it is predicted to be benign by multiple in silico algorithms, and/or has population frequency not consistent with disease.

Illumina Laboratory Services, Illumina
Classification: Benign for Diastrophic dysplasia. Last evaluated: 2017-04-27. Review status: criteria provided, single submitter. Criteria: ICSL Variant Classification Criteria 13 December 2019. Collection method: clinical testing. Allele origin: germline.
Comment: This variant was observed as part of a predisposition screen in an ostensibly healthy population. A literature search was performed for the gene, cDNA change, and amino acid change (where applicable). No publications were found based on this search. Allele frequency data from public databases was too high to be consistent with this variant causing disease. Therefore, this variant is classified as benign.

Illumina Laboratory Services, Illumina
Classification: Benign for Achondrogenesis, type IB. Last evaluated: 2017-04-27. Review status: criteria provided, single submitter. Criteria: ICSL Variant Classification Criteria 13 December 2019. Collection method: clinical testing. Allele origin: germline.
Comment: This variant was observed as part of a predisposition screen in an ostensibly healthy population. A literature search was performed for the gene, cDNA change, and amino acid change (where applicable). Publications were found based on this search. The evidence from the literature, in combination with allele frequency data from public databases where available, was sufficient to rule this variant out of causing disease. Therefore, this variant is classified as benign.

Illumina Laboratory Services, Illumina
Classification: Uncertain significance for Multiple epiphyseal dysplasia type 4. Last evaluated: 2017-04-27. Review status: criteria provided, single submitter. Criteria: ICSL Variant Classification Criteria 13 December 2019. Collection method: clinical testing. Allele origin: germline.
Comment: This variant was observed as part of a predisposition screen in an ostensibly healthy population. A literature search was performed for the gene, cDNA change, and amino acid change (where applicable). Publications were found based on this search. However, the evidence from the literature, in combination with allele frequency data from public databases where available, was not sufficient to rule this variant in or out of causing disease. Therefore, this variant is classified as a variant of unknown significance.

Illumina Laboratory Services, Illumina
Classification: Benign for Osteochondrodysplasia. Last evaluated: 2017-04-27. Review status: criteria provided, single submitter. Criteria: ICSL Variant Classification Criteria 13 December 2019. Collection method: clinical testing. Allele origin: germline.
Comment: the same text as in the submission from Illumina Laboratory Services, Illumina above.

Illumina Laboratory Services, Illumina
Classification: Benign for Atelosteogenesis type II. Last evaluated: 2017-04-27. Review status: criteria provided, single submitter. Criteria: ICSL Variant Classification Criteria 13 December 2019. Collection method: clinical testing. Allele origin: germline.
Comment: the same text as in the submission from Illumina Laboratory Services, Illumina above.

Eurofins Ntd Llc (ga)
Classification: Benign. Last evaluated: 2015-10-09. Review status: criteria provided, single submitter. Criteria: EGL Classification Definitions 2015. Collection method: clinical testing. Allele origin: germline. Observed: 1 variant allele, 1 heterozygote.

Broad Center for Mendelian Genomics, Broad Institute of MIT and Harvard
Classification: Benign for Diastrophic dysplasia. Review status: criteria provided, single submitter. Criteria: ACMG Guidelines, 2015. Collection method: research. Allele origin: germline. Inheritance: Autosomal recessive inheritance. Affected: yes.
Comment: The heterozygous p.Asn77His variant in SLC26A2 has been identified in at least 1 individual with diastrophic dysplasia (PMID: 11241838, 21228398), and has been identified in >3% of South Asian chromosomes and 13 homozygotes by ExAC. In summary, this variant meets criteria to be classified as benign for autosomal recessive diastrophic dysplasia.

Natera, Inc.
Classification: Benign for Achondrogenesis type IB. Last evaluated: 2020-01-10. Review status: no assertion criteria provided. Collection method: clinical testing. Allele origin: germline. Not counted in ClinVar's aggregate classification.

Literature cited by the submitters: PubMed 11241838 (cited by Illumina Laboratory Services, Illumina and Broad Center for Mendelian Genomics, Broad Institute of MIT and Harvard); PubMed 12525546 (cited by Illumina Laboratory Services, Illumina); PubMed 20981092 (cited by Broad Center for Mendelian Genomics, Broad Institute of MIT and Harvard); PubMed 21228398 (cited by Broad Center for Mendelian Genomics, Broad Institute of MIT and Harvard).

NM_000112.4(SLC26A2):c.229A>C (p.Asn77His)

Gene: SLC26A2 (solute carrier family 26 member 2; plus strand). Cytogenetic location: 5q32.
Variant type: single nucleotide variant.
Coding change: c.229A>C on transcript NM_000112.4 (MANE Select); coding-DNA position 229, A replaced by C.
Protein change: p.Asn77His; replaces asparagine 77 with histidine.
Molecular consequence: missense variant.
Genome position (GRCh38, 1-based): chr5:149,977,881, A>C. VCF-style: chr5-149977881-A-C. GRCh37 (hg19) VCF-style: chr5-149357444-A-C.
Other names: short protein forms N77H.
Identifiers: ClinVar variation 281118 (VCV000281118.56), dbSNP rs76784312, ClinGen allele CA3505223.